The following is an entry in ClinVar:

NM_000492.4(CFTR):c.246G>A (p.Met82Ile)

Gene: CFTR (CF transmembrane conductance regulator; plus strand). Cytogenetic location: 7q31.2.
Variant type: single nucleotide variant.
Coding change: c.246G>A on transcript NM_000492.4 (MANE Select); coding-DNA position 246, G replaced by A.
Protein change: p.Met82Ile; replaces methionine 82 with isoleucine.
Molecular consequence: missense variant.
Genome position (GRCh38, 1-based): chr7:117,509,115, G>A. VCF-style: chr7-117509115-G-A. GRCh37 (hg19) VCF-style: chr7-117149169-G-A.
Other names: short protein forms M82I.
Identifiers: ClinVar variation 579240 (VCV000579240.17), dbSNP rs1159096947, ClinGen allele CA368972263.
Genomic context (GRCh38, chr7:117,509,115, plus strand): 5'-TTCAAAGAAAAATCCTAAACTCATTAATGCCCTTCGGCGATGTTTTTTCTGGAGATTTAT[G>A]TTCTATGGAATCTTTTTATATTTAGGGGTAAGGATCTCATTTGTACATTCATTATGTATC-3'
Protein context (NP_000483.3, residues 72-92): ALRRCFFWRF[Met82Ile]FYGIFLYLGE

ClinVar aggregate classification (germline): Uncertain significance. Review status: criteria provided, multiple submitters, no conflicts (2 of 4 stars). 6 submissions from 6 submitters: Uncertain significance (5). 1 of the submissions does not count toward it. Last evaluated 2025-11-20.

Conditions:
Cystic fibrosis (CF). Also called: MUCOVISCIDOSIS. Identifiers: Orphanet 586, MedGen C0010674, MONDO:0009061, OMIM 219700. Disease mechanism: loss of function.

Allele frequency attached by ClinVar (database versions not stated): TOPMed 0.00001; gnomAD 0.00002 and 0.00003.

Submissions (6):

Ambry Genetics
Classification: Uncertain significance for Cystic fibrosis. Last evaluated: 2025-11-20. Review status: criteria provided, single submitter. Criteria: Ambry Variant Classification Scheme 2023. Collection method: clinical testing. Allele origin: germline.
Comment: The p.M82I variant (also known as c.246G>A), located in coding exon 3 of the CFTR gene, results from a G to A substitution at nucleotide position 246. The methionine at codon 82 is replaced by isoleucine, an amino acid with highly similar properties. This variant was identified in an adult and a fetus with echogenic bowel (Monaghan KG et al. Genet. Med.;6:421-5). This amino acid position is poorly conserved in available vertebrate species. In addition, the in silico prediction for this alteration is inconclusive. Based on available evidence to date, the clinical significance of this alteration remains unclear.

GeneDx
Classification: Uncertain significance. Last evaluated: 2025-05-23. Review status: criteria provided, single submitter. Criteria: GeneDx Variant Classification Process June 2021. Collection method: clinical testing. Allele origin: germline. Affected: yes.
Comment: Identified along with a likely benign CFTR variant in an infant with echogenic bowel and without clinical features suggestive of CF or CF-related disorders (PMID: 15371907); Not observed at significant frequency in large population cohorts (gnomAD); In silico analysis suggests that this missense variant does not alter protein structure/function; This variant is associated with the following publications: (PMID: 15371907)

Women's Health and Genetics/Laboratory Corporation of America, LabCorp
Classification: Uncertain significance. Last evaluated: 2024-08-20. Review status: criteria provided, single submitter. Criteria: LabCorp Variant Classification Summary - May 2015. Collection method: clinical testing. Allele origin: germline.
Comment: Variant summary: CFTR c.246G>A (p.Met82Ile) results in a conservative amino acid change located in the ABC transporter type 1, transmembrane domain (IPR011527) of the encoded protein sequence. Four of five in-silico tools predict a benign effect of the variant on protein function. The variant was absent in 250928 control chromosomes. The available data on variant occurrences in the general population are insufficient to allow any conclusion about variant significance. c.246G>A has been reported in the literature in an individual affected with fetal echogenic bowel (Monaghan_2004). These report(s) do not provide unequivocal conclusions about association of the variant with Cystic Fibrosis. To our knowledge, no experimental evidence demonstrating an impact on protein function has been reported. The following publication has been ascertained in the context of this evaluation (PMID: 15371907). ClinVar contains an entry for this variant (Variation ID: 579240). Based on the evidence outlined above, the variant was classified as uncertain significance.

Labcorp Genetics (formerly Invitae), Labcorp
Classification: Uncertain significance for Cystic fibrosis. Last evaluated: 2023-06-25. Review status: criteria provided, single submitter. Criteria: Invitae Variant Classification Sherloc (09022015). Collection method: clinical testing. Allele origin: germline.
Comment: In summary, the available evidence is currently insufficient to determine the role of this variant in disease. Therefore, it has been classified as a Variant of Uncertain Significance. Advanced modeling of protein sequence and biophysical properties (such as structural, functional, and spatial information, amino acid conservation, physicochemical variation, residue mobility, and thermodynamic stability) performed at Invitae indicates that this missense variant is not expected to disrupt CFTR protein function. ClinVar contains an entry for this variant (Variation ID: 579240). This variant has not been reported in the literature in individuals affected with CFTR-related conditions. This variant is present in population databases (no rsID available, gnomAD no frequency). This sequence change replaces methionine, which is neutral and non-polar, with isoleucine, which is neutral and non-polar, at codon 82 of the CFTR protein (p.Met82Ile).

Genome-Nilou Lab
Classification: Uncertain significance for Cystic fibrosis. Last evaluated: 2021-09-05. Review status: criteria provided, single submitter. Criteria: ACMG Guidelines, 2015. Collection method: clinical testing. Allele origin: germline. Affected: no.

Natera, Inc.
Classification: Uncertain significance for Cystic Fibrosis. Last evaluated: 2020-09-16. Review status: no assertion criteria provided. Collection method: clinical testing. Allele origin: germline. Not counted in ClinVar's aggregate classification.

Literature cited by the submitters: PubMed 15371907 (cited by Ambry Genetics and Women's Health and Genetics/Laboratory Corporation of America, LabCorp).